The following is an entry in ClinVar:

NM_000257.4(MYH7):c.4529C>T (p.Ser1510Phe)

Genes: MHRT (myosin heavy chain associated RNA transcript; plus strand), MYH7 (myosin heavy chain 7; minus strand). Cytogenetic location: 14q11.2.
Variant type: single nucleotide variant.
Coding change: c.4529C>T on transcript NM_000257.4 (MANE Select); coding-DNA position 4529, C replaced by T.
Protein change: p.Ser1510Phe; replaces serine 1510 with phenylalanine.
Molecular consequence: missense variant. On other transcripts: non-coding transcript variant (1).
Genome position (GRCh38, 1-based): chr14:23,416,983, G>A on the plus strand (C>T on the coding strand, the complement: MYH7 is on the minus strand). VCF-style: chr14-23416983-G-A. GRCh37 (hg19) VCF-style: chr14-23886192-G-A.
Other names: c.4529C>T, p.Ser1510Phe (NM_001407004.1); short protein forms S1510F.
Identifiers: ClinVar variation 3073996 (VCV003073996.1), dbSNP rs938363422, ClinGen allele CA257811391.

ClinVar aggregate classification (germline): Uncertain significance (1 of 4 stars; one submission).

Conditions:
Cardiomyopathy (CMYO). Also called: Cardiomyopathies. Identifiers: Orphanet 167848, MedGen C0878544, MONDO:0004994, HP:0001638. Inheritance: Various modes of inheritance.

Submission:

All of Us Research Program, National Institutes of Health
Classification: Uncertain significance for Cardiomyopathy. Last evaluated: 2023-11-30. Review status: criteria provided, single submitter. Criteria: ACMG Guidelines, 2015. Collection method: clinical testing. Allele origin: germline. Inheritance: Autosomal dominant inheritance. Observed: 1 variant allele, 1 heterozygote.
Comment: This study involves interpretation of variants in research participants for the purpose of population health screening. Participant phenotype was not available at the time of variant classification. Additional details can be found in publication PMID: 35346344, PMCID: PMC8962531